The following is an entry in ClinVar:

NM_181882.3(PRX):c.344A>G (p.Tyr115Cys)

Gene: PRX (periaxin; minus strand). Cytogenetic location: 19q13.2.
Variant type: single nucleotide variant.
Coding change: c.344A>G on transcript NM_181882.3 (MANE Select); coding-DNA position 344, A replaced by G.
Protein change: p.Tyr115Cys; replaces tyrosine 115 with cysteine.
Molecular consequence: missense variant.
Genome position (GRCh38, 1-based): chr19:40,398,657, T>C on the plus strand (A>G on the coding strand, the complement: PRX is on the minus strand). VCF-style: chr19-40398657-T-C. GRCh37 (hg19) VCF-style: chr19-40904564-T-C.
Other names: c.344A>G, p.Tyr115Cys (NM_020956.2); short protein forms Y115C.
Identifiers: ClinVar variation 1051511 (VCV001051511.9), dbSNP rs759570608, ClinGen allele CA9444502.

ClinVar aggregate classification (germline): Uncertain significance (1 of 4 stars; one submission).

Conditions:
Charcot-Marie-Tooth disease type 4. Also called: Charcot-Marie-Tooth disease, type IV; Charcot-Marie-Tooth, Type 4. Identifiers: Orphanet 64749, MedGen C4082197, MONDO:0018995.

Allele frequency attached by ClinVar (database versions not stated): gnomAD exomes below 0.00001; ExAC 0.00001; TOPMed 0.00001.

Submission:

Labcorp Genetics (formerly Invitae), Labcorp
Classification: Uncertain significance for Charcot-Marie-Tooth disease type 4. Last evaluated: 2020-07-21. Review status: criteria provided, single submitter. Criteria: Invitae Variant Classification Sherloc (09022015). Collection method: clinical testing. Allele origin: germline.
Comment: In summary, the available evidence is currently insufficient to determine the role of this variant in disease. Therefore, it has been classified as a Variant of Uncertain Significance. Algorithms developed to predict the effect of missense changes on protein structure and function (SIFT, PolyPhen-2, Align-GVGD) all suggest that this variant is likely to be disruptive, but these predictions have not been confirmed by published functional studies and their clinical significance is uncertain. This variant has not been reported in the literature in individuals with PRX-related conditions. This variant is present in population databases (rs759570608, ExAC 0.002%). This sequence change replaces tyrosine with cysteine at codon 115 of the PRX protein (p.Tyr115Cys). The tyrosine residue is moderately conserved and there is a large physicochemical difference between tyrosine and cysteine.